The following is an entry in ClinVar:

NM_022458.4(LMBR1):c.*1444T>G

Gene: LMBR1 (limb development membrane protein 1; minus strand). Cytogenetic location: 7q36.3.
Variant type: single nucleotide variant.
Coding change: c.*1444T>G on transcript NM_022458.4 (MANE Select); 1444 bases downstream of the stop codon, T replaced by G.
Molecular consequence: 3 prime UTR variant. On other transcripts: non-coding transcript variant (2).
Genome position (GRCh38, 1-based): chr7:156,682,634, A>C on the plus strand (T>G on the coding strand, the complement: LMBR1 is on the minus strand). VCF-style: chr7-156682634-A-C. GRCh37 (hg19) VCF-style: chr7-156475328-A-C.
Other names: c.*1444T>G (NM_001350953.2, NM_001350954.2, NM_001350955.2 and 8 more transcripts).
Identifiers: ClinVar variation 359400 (VCV000359400.6), dbSNP rs17837687, ClinGen allele CA10625552.
Genomic context (GRCh38, chr7:156,682,634, plus strand): 5'-TTAGAAAGATGTGAAGCTCGGAAGGAAATGCAGACGTATAAATAAGGGGGAAGTGTACTC[A>C]ACAAAGGTTGTAAATATACAGATTAAAGTTTCTTATTATTTTGGTTTAAAGTGGAAATTT-3'

ClinVar aggregate classification (germline): Benign. Review status: criteria provided, multiple submitters, no conflicts (2 of 4 stars). 2 submissions from 2 submitters: Benign (2). Last evaluated 2018-01-12.

Conditions:
Polydactyly of a triphalangeal thumb. Also called: POLYDACTYLY OF TRIPHALANGEAL THUMB; TRIPHALANGEAL THUMB-POLYDACTYLY SYNDROME; Polydactyly, preaxial type II. Identifiers: Orphanet 2439, Orphanet 2950, Orphanet 93336, MedGen C1868114, MONDO:0008270, OMIM 174500.

Allele frequency attached by ClinVar (database versions not stated): gnomAD 0.04775 and 0.05033; TOPMed 0.05145; 1000 Genomes Project 30x 0.06059; 1000 Genomes Project 0.06350.

Submissions (2):

Illumina Laboratory Services, Illumina
Classification: Benign for Polydactyly of a triphalangeal thumb. Last evaluated: 2018-01-12. Review status: criteria provided, single submitter. Criteria: ICSL Variant Classification Criteria 13 December 2019. Collection method: clinical testing. Allele origin: germline.
Comment: This variant was observed in the ICSL laboratory as part of a predisposition screen in an ostensibly healthy population. It had not been previously curated by ICSL or reported in the Human Gene Mutation Database (HGMD: prior to June 1st, 2018), and was therefore a candidate for classification through an automated scoring system. Utilizing variant allele frequency, disease prevalence and penetrance estimates, and inheritance mode, an automated score was calculated to assess if this variant is too frequent to cause the disease. Based on the score and internal cut-off values, a variant classified as benign is not then subjected to further curation. The score for this variant resulted in a classification of benign for this disease.

Breakthrough Genomics
Classification: Benign. Review status: criteria provided, single submitter. Criteria: ACMG Guidelines, 2015. Collection method: not provided. Allele origin: germline. Inheritance: Autosomal recessive inheritance. Affected: yes.